The following is an entry in ClinVar:

ClinVar aggregate classification (germline): Conflicting classifications of pathogenicity. Review status: criteria provided, conflicting classifications (1 of 4 stars). 2 submissions from 2 submitters: Likely pathogenic (1); Uncertain significance (1). Last evaluated 2025-02-14.

Conditions:
Hereditary cancer-predisposing syndrome. Also called: Hereditary neoplastic syndrome; Tumor predisposition; Neoplastic Syndromes, Hereditary; Hereditary Cancer Syndrome. Identifiers: Orphanet 140162, MedGen C0027672, MeSH D009386, MONDO:0015356.
Tuberous sclerosis 1 (TSC1). Identifiers: Orphanet 805, MedGen C1854465, MONDO:0008612, OMIM 191100.

Submissions (2):

Ambry Genetics
Classification: Likely pathogenic for Hereditary cancer-predisposing syndrome. Last evaluated: 2025-02-14. Review status: criteria provided, single submitter. Criteria: Ambry Variant Classification Scheme 2023. Collection method: clinical testing. Allele origin: germline.
Comment: The p.A937V variant (also known as c.2810C>T), located in coding exon 19 of the TSC1 gene, results from a C to T substitution at nucleotide position 2810. The alanine at codon 937 is replaced by valine, an amino acid with similar properties. This nucleotide position is highly conserved in available vertebrate species. In silico splice site analysis predicts that this alteration will weaken the native splice donor site and will result in the creation or strengthening of a novel splice donor site. RNA studies have demonstrated that this alteration results in abnormal splicing in the set of samples tested (Ambry internal data). In addition, as a missense, the in silico prediction for this alteration is inconclusive. Based on the majority of available evidence to date, this variant is likely to be pathogenic.

MGZ Medical Genetics Center
Classification: Uncertain significance for Tuberous sclerosis 1. Last evaluated: 2021-11-10. Review status: criteria provided, single submitter. Criteria: ACMG Guidelines, 2015. Collection method: clinical testing. Allele origin: germline. Affected: yes. Observed: 1 variant allele.
Comment: ACMG criteria applied: PM2_SUP, PP3

NM_000368.5(TSC1):c.2810C>T (p.Ala937Val)

Gene: TSC1 (TSC complex subunit 1; minus strand). Cytogenetic location: 9q34.13.
Variant type: single nucleotide variant.
Coding change: c.2810C>T on transcript NM_000368.5 (MANE Select); coding-DNA position 2810, C replaced by T.
Protein change: p.Ala937Val; replaces alanine 937 with valine.
Molecular consequence: missense variant.
Genome position (GRCh38, 1-based): chr9:132,897,426, G>A on the plus strand (C>T on the coding strand, the complement: TSC1 is on the minus strand). VCF-style: chr9-132897426-G-A. GRCh37 (hg19) VCF-style: chr9-135772813-G-A.
Other names: c.2810C>T, p.Ala937Val (NM_001406593.1, NM_001406594.1, NM_001406595.1 and 2 more transcripts); c.2807C>T, p.Ala936Val (NM_001406597.1, NM_001406598.1, NM_001406599.1 and 2 more transcripts); c.2795C>T, p.Ala932Val (NM_001406601.1, NM_001406602.1); c.2654C>T, p.Ala885Val (NM_001406612.1, NM_001406611.1); c.2612C>T, p.Ala871Val (NM_001406613.1); c.2447C>T, p.Ala816Val (NM_001406614.1, NM_001406615.1, NM_001406616.1 and 4 more transcripts); c.2444C>T, p.Ala815Val (NM_001406620.1, NM_001406621.1, NM_001406622.1 and 1 more transcripts); c.2657C>T, p.Ala886Val (NM_001162427.2, NM_001406610.1); and 8 more; short protein forms A586V, A619V, A620V, A801V, A802V, A815V, A816V, A871V.
Identifiers: ClinVar variation 1709979 (VCV001709979.3), dbSNP rs2131630360, ClinGen allele CA375368989.
Genomic context (GRCh38, chr9:132,897,426, plus strand): 5'-AGAATATAGGAAGTTCCACTTAATAAAAACACAAAAGCCTTTCCTGATGAAAGTTACCTT[G>A]CCTGGAGTTTGACATCCTCTAGATATTTCTTCTGTTCCAAAAGAAGGTGGTCTTTCTTGG-3'
Protein context (NP_000359.1, residues 927-947): KKYLEDVKLQ[Ala937Val]RGQLQAAESR